The following is an entry in ClinVar:

NM_198994.3(TGM6):c.1953_1955dup (p.Gln652dup)

Gene: TGM6 (transglutaminase 6; plus strand). Cytogenetic location: 20p13.
Variant type: Duplication.
Coding change: c.1953_1955dup on transcript NM_198994.3 (MANE Select); coding-DNA positions 1953 to 1955, 3 bases duplicated (ACA; older notation c.1953_1955dupACA).
Protein change: p.Gln652dup; duplicates glutamine 652.
Molecular consequence: inframe insertion. On other transcripts: intron variant (1).
Genome position (GRCh38, 1-based): chr20:2,431,013-2,431,015, ACA duplicated; duplicating any 3 consecutive bases within chr20:2,431,012-2,431,015 gives the same sequence; the c. name uses the placement nearest the transcript's 3' end. VCF-style (leftmost placement, unchanged base first): chr20-2431011-G-GAAC. GRCh37 (hg19) VCF-style: chr20-2411657-G-GAAC.
Other names: c.1953_1955dupACA (NM_198994.2); c.1833+413_1833+415dup (NM_001254734.2); c.1953_1955dup (NM_198994.2).
Identifiers: ClinVar variation 337937 (VCV000337937.42), dbSNP rs557817405, ClinGen allele CA9732236.

ClinVar aggregate classification (germline): Benign/Likely benign. Review status: criteria provided, multiple submitters, no conflicts (2 of 4 stars). 5 submissions from 5 submitters: Benign (2); Likely benign (3). Last evaluated 2026-04-01.

Submissions (5):

CeGaT Center for Human Genetics Tuebingen
Classification: Likely benign. Last evaluated: 2026-04-01. Review status: criteria provided, single submitter. Criteria: CeGaT Center For Human Genetics Tuebingen Variant Classification Criteria Version 2. Collection method: clinical testing. Allele origin: germline. Affected: yes. Observed: 7 variant alleles.
Comment: TGM6: PM4:Supporting, BS1

Labcorp Genetics (formerly Invitae), Labcorp
Classification: Likely benign. Last evaluated: 2025-11-04. Review status: criteria provided, single submitter. Criteria: Invitae Variant Classification Sherloc (09022015). Collection method: clinical testing. Allele origin: germline.

Athena Diagnostics
Classification: Benign. Last evaluated: 2025-07-28. Review status: criteria provided, single submitter. Criteria: Athena Diagnostics Criteria. Collection method: clinical testing. Allele origin: unknown.
Comment: The frequency of this variant in the general population is higher than would generally be expected for pathogenic variants in this gene.

Blueprint Genetics
Classification: Likely benign. Last evaluated: 2024-11-26. Review status: criteria provided, single submitter. Criteria: ACMG Guidelines, 2015. Collection method: clinical testing. Allele origin: germline.

Mayo Clinic Laboratories, Mayo Clinic
Classification: Benign. Last evaluated: 2024-05-09. Review status: criteria provided, single submitter. Criteria: ACMG Guidelines, 2015. Collection method: clinical testing. Allele origin: germline. Observed: 5 variant alleles.
Comment: BS1, BS2

Literature cited by the submitters: PubMed 28934387 (cited by Athena Diagnostics and Mayo Clinic Laboratories, Mayo Clinic); PubMed 30670339 (cited by Mayo Clinic Laboratories, Mayo Clinic).